The following is an entry in ClinVar:

NM_002637.4(PHKA1):c.2257C>T (p.Leu753Phe)

Gene: PHKA1 (phosphorylase kinase regulatory subunit alpha 1; minus strand). Cytogenetic location: Xq13.1.
Variant type: single nucleotide variant.
Coding change: c.2257C>T on transcript NM_002637.4 (MANE Select); coding-DNA position 2257, C replaced by T.
Protein change: p.Leu753Phe; replaces leucine 753 with phenylalanine.
Molecular consequence: missense variant.
Genome position (GRCh38, 1-based): chrX:72,618,822, G>A on the plus strand (C>T on the coding strand, the complement: PHKA1 is on the minus strand). VCF-style: chrX-72618822-G-A. GRCh37 (hg19) VCF-style: chrX-71838672-G-A.
Other names: c.2257C>T, p.Leu753Phe (NM_001122670.2, NM_001431068.1); c.2080C>T, p.Leu694Phe (NM_001172436.2); short protein forms L753F, L694F.
Identifiers: ClinVar variation 3714527 (VCV003714527.2).

ClinVar aggregate classification (germline): Uncertain significance (1 of 4 stars; one submission).

Conditions:
Glycogen storage disease IXd (GSD9D). Also called: GSD IXd; Muscle Phosphorylase Kinase Deficiency. Identifiers: Orphanet 715, MedGen C1845151, MONDO:0010362, OMIM 300559.

gnomAD v4.1: 3 of 1,201,780 alleles (0.00025%); highest among the groups gnomAD compares: African/African-American, 0.0035%; no homozygotes.

Submission:

Labcorp Genetics (formerly Invitae), Labcorp
Classification: Uncertain significance for Glycogen storage disease IXd. Last evaluated: 2024-08-06. Review status: criteria provided, single submitter. Criteria: Invitae Variant Classification Sherloc (09022015). Collection method: clinical testing. Allele origin: germline.
Comment: This sequence change replaces leucine, which is neutral and non-polar, with phenylalanine, which is neutral and non-polar, at codon 753 of the PHKA1 protein (p.Leu753Phe). This variant is not present in population databases (gnomAD no frequency). This variant has not been reported in the literature in individuals affected with PHKA1-related conditions. Advanced modeling of protein sequence and biophysical properties (such as structural, functional, and spatial information, amino acid conservation, physicochemical variation, residue mobility, and thermodynamic stability) performed at Invitae indicates that this missense variant is not expected to disrupt PHKA1 protein function with a negative predictive value of 80%. Algorithms developed to predict the effect of sequence changes on RNA splicing suggest that this variant may disrupt the consensus splice site. In summary, the available evidence is currently insufficient to determine the role of this variant in disease. Therefore, it has been classified as a Variant of Uncertain Significance.